The following is an entry in ClinVar:

ClinVar aggregate classification (germline): Uncertain significance (1 of 4 stars; one submission).

gnomAD v4.1: 2 of 1,206,289 alleles (0.00017%); highest among the groups gnomAD compares: East Asian, 0.0059%; no homozygotes.

Submission:

Women's Health and Genetics/Laboratory Corporation of America, LabCorp
Classification: Uncertain significance. Last evaluated: 2024-01-12. Review status: criteria provided, single submitter. Criteria: LabCorp Variant Classification Summary - May 2015. Collection method: clinical testing. Allele origin: germline.
Comment: Variant summary: PDHA1 c.328C>G (p.Pro110Ala) results in a non-conservative amino acid change located in the Dehydrogenase, E1 component (IPR001017) of the encoded protein sequence. Three of five in-silico tools predict a damaging effect of the variant on protein function. The variant was absent in 183460 control chromosomes. The available data on variant occurrences in the general population are insufficient to allow any conclusion about variant significance. To our knowledge, no occurrence of c.328C>G in individuals affected with Pyruvate Dehydrogenase Deficiency and no experimental evidence demonstrating its impact on protein function have been reported. No submitters have cited clinical-significance assessments for this variant to ClinVar. Based on the evidence outlined above, the variant was classified as uncertain significance.

NM_000284.4(PDHA1):c.328C>G (p.Pro110Ala)

Gene: PDHA1 (pyruvate dehydrogenase E1 subunit alpha 1; plus strand). Cytogenetic location: Xp22.12.
Variant type: single nucleotide variant.
Coding change: c.328C>G on transcript NM_000284.4 (MANE Select); coding-DNA position 328, C replaced by G.
Protein change: p.Pro110Ala; replaces proline 110 with alanine.
Molecular consequence: missense variant.
Genome position (GRCh38, 1-based): chrX:19,351,317, C>G. VCF-style: chrX-19351317-C-G. GRCh37 (hg19) VCF-style: chrX-19369435-C-G.
Other names: c.442C>G, p.Pro148Ala (NM_001173454.2); c.349C>G, p.Pro117Ala (NM_001173455.2); c.328C>G, p.Pro110Ala (NM_001173456.2); short protein forms P110A, P117A, P148A.
Identifiers: ClinVar variation 3063875 (VCV003063875.1), dbSNP rs2519341189, ClinGen allele CA412390982.